The following is an entry in ClinVar:

NM_004991.4(MECOM):c.2219C>A (p.Ser740Tyr)

Gene: MECOM (MDS1 and EVI1 complex locus; minus strand). Cytogenetic location: 3q26.2.
Variant type: single nucleotide variant.
Coding change: c.2219C>A on transcript NM_004991.4 (MANE Select); coding-DNA position 2219, C replaced by A.
Protein change: p.Ser740Tyr; replaces serine 740 with tyrosine.
Molecular consequence: missense variant.
Genome position (GRCh38, 1-based): chr3:169,115,653, G>T on the plus strand (C>A on the coding strand, the complement: MECOM is on the minus strand). VCF-style: chr3-169115653-G-T. GRCh37 (hg19) VCF-style: chr3-168833441-G-T.
Other names: c.1850C>A, p.Ser617Tyr (NM_001105077.4); c.1655C>A, p.Ser552Tyr (NM_001105078.4, NM_001164000.2, NM_001205194.2 and 4 more transcripts); c.1658C>A, p.Ser553Tyr (NM_001163999.2, NM_001366467.2, NM_001366468.2 and 1 more transcripts); c.2219C>A, p.Ser740Tyr (NM_001366466.2); c.1247C>A, p.Ser416Tyr (NM_001366473.2); c.683C>A, p.Ser228Tyr (NM_001366474.2); short protein forms S228Y, S416Y, S617Y, S552Y, S553Y, S740Y.
Identifiers: ClinVar variation 3871600 (VCV003871600.1).
Genomic context (GRCh38, chr3:169,115,653, plus strand): 5'-TTGGAGGGGACTGGAGTCAAGGGCTTCTCATCCTTTCGCTTAGTGGTGAGATCAAAGGGG[G>T]ACTCAGAGCTGCCCTTCTGCAGTTTCTTTACTTCACCTGGTGATTGGGGTTCCATTTTCA-3'
Protein context (NP_004982.2, residues 730-750): VKKLQKGSSE[Ser740Tyr]PFDLTTKRKD

ClinVar aggregate classification (germline): Uncertain significance (1 of 4 stars; one submission).

Conditions:
Inborn genetic diseases. Identifiers: MedGen C0950123, MeSH D030342.

gnomAD v4.1: 2 of 1,614,152 alleles (0.00012%); highest among the groups gnomAD compares: Non-Finnish European, 0.00017%; no homozygotes.

Submission:

Ambry Genetics
Classification: Uncertain significance for Inborn genetic diseases. Last evaluated: 2024-12-14. Review status: criteria provided, single submitter. Criteria: Ambry Variant Classification Scheme 2023. Collection method: clinical testing. Allele origin: germline.
Comment: The p.S740Y variant (also known as c.2219C>A), located in coding exon 8 of the MECOM gene, results from a C to A substitution at nucleotide position 2219. The serine at codon 740 is replaced by tyrosine, an amino acid with dissimilar properties. This amino acid position is conserved. In addition, the in silico prediction for this alteration is inconclusive. Based on the available evidence, the clinical significance of this variant remains unclear.